The following is an entry in ClinVar:

NM_022114.4(PRDM16):c.793G>T (p.Ala265Ser)

Gene: PRDM16 (PR/SET domain 16; plus strand). Cytogenetic location: 1p36.32.
Variant type: single nucleotide variant.
Coding change: c.793G>T on transcript NM_022114.4 (MANE Select); coding-DNA position 793, G replaced by T.
Protein change: p.Ala265Ser; replaces alanine 265 with serine.
Molecular consequence: missense variant.
Genome position (GRCh38, 1-based): chr1:3,402,907, G>T. VCF-style: chr1-3402907-G-T. GRCh37 (hg19) VCF-style: chr1-3319471-G-T.
Other names: c.793G>T, p.Ala265Ser (NM_199454.3); short protein forms A265S.
Identifiers: ClinVar variation 541382 (VCV000541382.9), dbSNP rs1553174330, ClinGen allele CA338003209.

ClinVar aggregate classification (germline): Uncertain significance (1 of 4 stars; one submission).

Conditions:
Left ventricular noncompaction 8 (LVNC8). Identifiers: Orphanet 154, Orphanet 54260, MedGen C3809288, MONDO:0014152, OMIM 615373.

Submission:

Labcorp Genetics (formerly Invitae), Labcorp
Classification: Uncertain significance for Left ventricular noncompaction 8. Last evaluated: 2023-12-01. Review status: criteria provided, single submitter. Criteria: Invitae Variant Classification Sherloc (09022015). Collection method: clinical testing. Allele origin: germline.
Comment: This sequence change replaces alanine, which is neutral and non-polar, with serine, which is neutral and polar, at codon 265 of the PRDM16 protein (p.Ala265Ser). This variant is not present in population databases (gnomAD no frequency). This variant has not been reported in the literature in individuals affected with PRDM16-related conditions. ClinVar contains an entry for this variant (Variation ID: 541382). Algorithms developed to predict the effect of missense changes on protein structure and function output the following: SIFT: "Not Available"; PolyPhen-2: "Benign"; Align-GVGD: "Not Available". The serine amino acid residue is found in multiple mammalian species, which suggests that this missense change does not adversely affect protein function. In summary, the available evidence is currently insufficient to determine the role of this variant in disease. Therefore, it has been classified as a Variant of Uncertain Significance.